The following is an entry in ClinVar:

NM_016616.5(NME8):c.469A>G (p.Ile157Val)

Gene: NME8 (NME/NM23 family member 8; plus strand). Cytogenetic location: 7p14.1.
Variant type: single nucleotide variant.
Coding change: c.469A>G on transcript NM_016616.5 (MANE Select); coding-DNA position 469, A replaced by G.
Protein change: p.Ile157Val; replaces isoleucine 157 with valine.
Molecular consequence: missense variant.
Genome position (GRCh38, 1-based): chr7:37,864,362, A>G. VCF-style: chr7-37864362-A-G. GRCh37 (hg19) VCF-style: chr7-37903964-A-G.
Other names: c.469A>G (NM_016616.4); short protein forms I157V.
Identifiers: ClinVar variation 2700021 (VCV002700021.4), dbSNP rs200290963, ClinGen allele CA4222222.

ClinVar aggregate classification (germline): Uncertain significance. Review status: criteria provided, multiple submitters, no conflicts (2 of 4 stars). 2 submissions from 2 submitters: Uncertain significance (2). Last evaluated 2026-01-13.

Conditions:
Primary ciliary dyskinesia. Also called: Ciliary dyskinesia. Identifiers: Orphanet 244, MedGen C0008780, MONDO:0016575, HP:0012265.
Primary ciliary dyskinesia 6. Also called: Primary Ciliary Dyskinesia 6: TXNDC3-Related Primary Ciliary Dyskinesia. Identifiers: Orphanet 244, MedGen C1970506, MONDO:0012571, OMIM 610852.

Allele frequency attached by ClinVar (database versions not stated): gnomAD 0.00009; TOPMed 0.00012; ESP Exome Variant Server 0.00023.
gnomAD v4.1: 28 of 1,592,522 alleles (0.0018%); highest among the groups gnomAD compares: African/African-American, 0.032%; no homozygotes.

Submissions (2):

Labcorp Genetics (formerly Invitae), Labcorp
Classification: Uncertain significance for Primary ciliary dyskinesia 6. Last evaluated: 2026-01-13. Review status: criteria provided, single submitter. Criteria: Invitae Variant Classification Sherloc (09022015). Collection method: clinical testing. Allele origin: germline.
Comment: This sequence change replaces isoleucine, which is neutral and non-polar, with valine, which is neutral and non-polar, at codon 157 of the NME8 protein (p.Ile157Val). This variant is present in population databases (rs200290963, gnomAD 0.05%). This variant has not been reported in the literature in individuals affected with NME8-related conditions. ClinVar contains an entry for this variant (Variation ID: 2700021). Invitae Evidence Modeling of protein sequence and biophysical properties (such as structural, functional, and spatial information, amino acid conservation, physicochemical variation, residue mobility, and thermodynamic stability) indicates that this missense variant is not expected to disrupt NME8 protein function with a negative predictive value of 80%. In summary, the available evidence is currently insufficient to determine the role of this variant in disease. Therefore, it has been classified as a Variant of Uncertain Significance.

Ambry Genetics
Classification: Uncertain significance for Primary ciliary dyskinesia. Last evaluated: 2025-08-14. Review status: criteria provided, single submitter. Criteria: Ambry Variant Classification Scheme 2023. Collection method: clinical testing. Allele origin: germline.